The following is an entry in ClinVar:

NM_001379500.1(COL18A1):c.3969C>T (p.His1323=)

Genes: COL18A1 (collagen type XVIII alpha 1 chain; plus strand), SLC19A1 (solute carrier family 19 member 1; minus strand). Cytogenetic location: 21q22.3.
Variant type: single nucleotide variant.
Coding change: c.3969C>T on transcript NM_001379500.1 (MANE Select); coding-DNA position 3969, C replaced by T.
Protein change: p.His1323=; no amino-acid change (histidine 1323 retained).
Molecular consequence: synonymous variant.
Genome position (GRCh38, 1-based): chr21:45,512,347, C>T. VCF-style: chr21-45512347-C-T. GRCh37 (hg19) VCF-style: chr21-46932261-C-T.
Other names: c.4500C>T (NM_030582.3); c.4500C>T, p.His1500= (NM_030582.4); c.5205C>T, p.His1735= (NM_130444.3).
Identifiers: ClinVar variation 1088555 (VCV001088555.10), dbSNP rs763139204, ClinGen allele CA10068151.
Genomic context (GRCh38, chr21:45,512,347, plus strand): 5'-CCAGGCCTCCTCGCTGCTGGGGGGCAGGCTCCTGGGGCAGAGTGCCGCGAGCTGCCATCA[C>T]GCCTACATCGTGCTCTGCATTGAGAACAGCTTCATGACTGCCTCCAAGTAGCCACCGCCT-3'
Protein context (NP_001366429.1, residues 1313-1333): LLGQSAASCH[His1323=]AYIVLCIENS

ClinVar aggregate classification (germline): Likely benign. Review status: criteria provided, multiple submitters, no conflicts (2 of 4 stars). 2 submissions from 2 submitters: Likely benign (2). Last evaluated 2025-10-31.

Conditions:
COL18A1-related disorder. Also called: COL18A1-related disorders; COL18A1-related condition.

Allele frequency attached by ClinVar (database versions not stated): ExAC 0.00002; gnomAD exomes 0.00004 and 0.00005; gnomAD 0.00005; TOPMed 0.00010.
gnomAD v4.1: 62 of 1,612,658 alleles (0.0038%); highest among the groups gnomAD compares: Admixed American, 0.017%; no homozygotes.

Submissions (2):

Labcorp Genetics (formerly Invitae), Labcorp
Classification: Likely benign. Last evaluated: 2025-10-31. Review status: criteria provided, single submitter. Criteria: Invitae Variant Classification Sherloc (09022015). Collection method: clinical testing. Allele origin: germline.

PreventionGenetics, part of Exact Sciences
Classification: Likely benign for COL18A1-related condition. Last evaluated: 2025-03-12. Review status: criteria provided, single submitter. Criteria: ACMG Guidelines, 2015. Collection method: clinical testing. Allele origin: germline.
Comment: This variant is classified as likely benign based on ACMG/AMP sequence variant interpretation guidelines (Richards et al. 2015 PMID: 25741868, with internal and published modifications).